The following is an entry in ClinVar:

NM_001142864.4(PIEZO1):c.3456-10G>A

Gene: PIEZO1 (piezo type mechanosensitive ion channel component 1 (Er blood group); minus strand). Cytogenetic location: 16q24.3.
Variant type: single nucleotide variant.
Coding change: c.3456-10G>A on transcript NM_001142864.4 (MANE Select); 10 bases into the intron before coding-DNA position 3456, G replaced by A.
Molecular consequence: intron variant.
Genome position (GRCh38, 1-based): chr16:88,726,968, C>T on the plus strand (G>A on the coding strand, the complement: PIEZO1 is on the minus strand). VCF-style: chr16-88726968-C-T. GRCh37 (hg19) VCF-style: chr16-88793376-C-T.
Other names: p.?.
Identifiers: ClinVar variation 785545 (VCV000785545.23), dbSNP rs188761308, ClinGen allele CA8232468.

ClinVar aggregate classification (germline): Benign/Likely benign. Review status: criteria provided, multiple submitters, no conflicts (2 of 4 stars). 5 submissions from 5 submitters: Benign (2); Likely benign (3). Last evaluated 2025-12-25.

Allele frequency attached by ClinVar (database versions not stated): TOPMed 0.00230; ExAC 0.00231; 1000 Genomes Project 0.00240; gnomAD exomes 0.00242; ESP Exome Variant Server 0.00263; 1000 Genomes Project 30x 0.00281; gnomAD 0.00381 and 0.00403.

Submissions (5):

Labcorp Genetics (formerly Invitae), Labcorp
Classification: Benign. Last evaluated: 2025-12-25. Review status: criteria provided, single submitter. Criteria: Invitae Variant Classification Sherloc (09022015). Collection method: clinical testing. Allele origin: germline.

ARUP Laboratories, Molecular Genetics and Genomics, ARUP Laboratories
Classification: Benign. Last evaluated: 2025-07-25. Review status: criteria provided, single submitter. Criteria: ARUP Molecular Germline Variant Investigation Process 2024. Collection method: clinical testing. Allele origin: germline.

Blueprint Genetics
Classification: Likely benign. Last evaluated: 2024-11-26. Review status: criteria provided, single submitter. Criteria: ACMG Guidelines, 2015. Collection method: clinical testing. Allele origin: germline.

Mayo Clinic Laboratories, Mayo Clinic
Classification: Likely benign. Last evaluated: 2024-04-30. Review status: criteria provided, single submitter. Criteria: ACMG Guidelines, 2015. Collection method: clinical testing. Allele origin: germline. Observed: 3 variant alleles.
Comment: BS1, BS2

Breakthrough Genomics
Classification: Likely benign. Review status: criteria provided, single submitter. Criteria: ACMG Guidelines, 2015. Collection method: not provided. Allele origin: germline. Inheritance: Autosomal recessive inheritance. Affected: yes.